The following is an entry in ClinVar:

NM_001360.3(DHCR7):c.431A>G (p.Gln144Arg)

Gene: DHCR7 (7-dehydrocholesterol reductase; minus strand). Cytogenetic location: 11q13.4.
Variant type: single nucleotide variant.
Coding change: c.431A>G on transcript NM_001360.3 (MANE Select); coding-DNA position 431, A replaced by G.
Protein change: p.Gln144Arg; replaces glutamine 144 with arginine.
Molecular consequence: missense variant.
Genome position (GRCh38, 1-based): chr11:71,441,422, T>C on the plus strand (A>G on the coding strand, the complement: DHCR7 is on the minus strand). VCF-style: chr11-71441422-T-C. GRCh37 (hg19) VCF-style: chr11-71152468-T-C.
Other names: c.431A>G, p.Gln144Arg (NM_001163817.2); short protein forms Q144R.
Identifiers: ClinVar variation 1687645 (VCV001687645.8), dbSNP rs776246504, ClinGen allele CA6162561.

ClinVar aggregate classification (germline): Uncertain significance. Review status: criteria provided, multiple submitters, no conflicts (2 of 4 stars). 3 submissions from 3 submitters: Uncertain significance (3). Last evaluated 2026-08-20.

Conditions:
Smith-Lemli-Opitz syndrome (SLOS). Also called: LETHAL ACRODYSGENITAL SYNDROME; POLYDACTYLY, SEX REVERSAL, RENAL HYPOPLASIA, AND UNILOBAR LUNG; RSH SYNDROME; RUTLEDGE LETHAL MULTIPLE CONGENITAL ANOMALY SYNDROME; 7-Dehydrocholesterol reductase deficiency. Identifiers: Orphanet 818, MedGen C0175694, MONDO:0010035, OMIM 270400.
Inborn genetic diseases. Identifiers: MedGen C0950123, MeSH D030342.

Allele frequency attached by ClinVar (database versions not stated): gnomAD 0.00001; ExAC 0.00014; TOPMed 0.00005; gnomAD exomes 0.00003 and 0.00011.
gnomAD v4.1: 44 of 1,613,146 alleles (0.0027%); highest among the groups gnomAD compares: Admixed American, 0.032%; no homozygotes.

Submissions (3):

GeneDx
Classification: Uncertain significance. Last evaluated: 2026-08-20. Review status: criteria provided, single submitter. Criteria: GeneDx Variant Classification Process June 2021. Collection method: clinical testing. Allele origin: germline.
Comment: Has not been previously published as pathogenic or benign to our knowledge; In silico analysis suggests that this missense variant does not alter protein structure/function

Ambry Genetics
Classification: Uncertain significance for Inborn genetic diseases. Last evaluated: 2026-02-19. Review status: criteria provided, single submitter. Criteria: Ambry Variant Classification Scheme 2023. Collection method: clinical testing. Allele origin: germline.
Comment: The p.Q144R variant (also known as c.431A>G), located in coding exon 4 of the DHCR7 gene, results from an A to G substitution at nucleotide position 431. The glutamine at codon 144 is replaced by arginine, an amino acid with highly similar properties. This amino acid position is conserved. In addition, the in silico prediction for this alteration is inconclusive. Based on the available evidence, the clinical significance of this variant remains unclear.

Labcorp Genetics (formerly Invitae), Labcorp
Classification: Uncertain significance for Smith-Lemli-Opitz syndrome. Last evaluated: 2022-08-23. Review status: criteria provided, single submitter. Criteria: Invitae Variant Classification Sherloc (09022015). Collection method: clinical testing. Allele origin: germline.
Comment: This sequence change replaces glutamine, which is neutral and polar, with arginine, which is basic and polar, at codon 144 of the DHCR7 protein (p.Gln144Arg). This variant is present in population databases (rs776246504, gnomAD 0.05%). This variant has not been reported in the literature in individuals affected with DHCR7-related conditions. ClinVar contains an entry for this variant (Variation ID: 1687645). Advanced modeling of protein sequence and biophysical properties (such as structural, functional, and spatial information, amino acid conservation, physicochemical variation, residue mobility, and thermodynamic stability) performed at Invitae indicates that this missense variant is not expected to disrupt DHCR7 protein function. In summary, the available evidence is currently insufficient to determine the role of this variant in disease. Therefore, it has been classified as a Variant of Uncertain Significance.